The following is an entry in ClinVar:

ClinVar aggregate classification (germline): Uncertain significance (1 of 4 stars; one submission).

Conditions:
Neurodevelopmental disorder with or without autistic features and/or structural brain abnormalities. Identifiers: MedGen C5394311, MONDO:0030024, OMIM 618859.

Submission:

Juno Genomics, Hangzhou Juno Genomics, Inc
Classification: Uncertain significance for Neurodevelopmental disorder with or without autistic features and/or structural brain abnormalities. Review status: criteria provided, single submitter. Criteria: ACMG Guidelines, 2015. Collection method: clinical testing. Allele origin: germline. Affected: yes.
Comment: Absent from controls (or at extremely low frequency if recessive) in Genome Aggregation Database, Exome Sequencing Project, 1000 Genomes Project, or Exome Aggregation Consortium.;Null variant in a gene where loss of function (LOF) is a known mechanism of disease.

NM_002516.4(NOVA2):c.41_85+14del

Gene: NOVA2 (NOVA alternative splicing regulator 2; minus strand). Cytogenetic location: 19q13.32.
Variant type: Deletion.
Coding change: c.41_85+14del on transcript NM_002516.4 (MANE Select); coding-DNA position 41 through 14 bases into the intron after coding-DNA position 85, 59 bases deleted.
Molecular consequence: splice donor variant.
Genome position (GRCh38, 1-based): chr19:45,973,253-45,973,311, 59 bases deleted. GRCh37 (hg19): chr19:46,476,512-46,476,570.
Identifiers: ClinVar variation 3906975 (VCV003906975.2).